The following is an entry in ClinVar:

ClinVar aggregate classification (germline): Pathogenic. Review status: reviewed by expert panel (3 of 4 stars). 23 submissions from 19 submitters: Pathogenic (1). 22 of the submissions do not count toward it. Last evaluated 2021-11-03.

Conditions:
Primary Mitochondrial Disorders. Identifiers: MedGen CN381104.
Complex hereditary spastic paraplegia. Identifiers: Orphanet 102013, MedGen C0393556, MONDO:0015150.
MT-TK-related mitochondrial disorder.
MT-TK-related disorder.
Mitochondrial disease. Also called: Mitochondrial disorder; Mitochondrial disorders. Identifiers: Orphanet 68380, MedGen C0751651, MeSH D028361, MONDO:0044970.
Thrombocythemia 2. Also called: THROMBOCYTHEMIA 2, SUSCEPTIBILITY TO. Identifiers: MedGen C3275998, MONDO:0011173, OMIM 601977.
Leigh syndrome (NULS). Also called: Leigh's necrotizing encephalopathy; Leigh's disease; Leigh Disease; Leigh Syndrome (mtDNA deletion); LEIGH SYNDROME, NUCLEAR; Subacute necrotizing encephalopathy. Identifiers: Orphanet 506, MedGen C2931891, MONDO:0009723, OMIM 256000.
MELAS syndrome (MELAS). Also called: Juvenile myopathy, encephalopathy, lactic acidosis, stroke. Identifiers: Orphanet 550, MedGen C0162671, MONDO:0010789, OMIM 540000.
MERRF syndrome (MERRF). Also called: Myoclonus with epilepsy with ragged red fibers; Myoencephalopathy ragged-red fiber disease; MYOCLONIC EPILEPSY ASSOCIATED WITH RAGGED-RED FIBERS. Identifiers: Orphanet 551, MedGen C0162672, MONDO:0010790, OMIM 545000.
Parkinson disease, mitochondrial. Identifiers: MedGen C1838867, MONDO:0010796, OMIM 556500.

Submissions 1 to 9 of 23:

ClinGen Mitochondrial Disease Nuclear and Mitochondrial  Variant Curation Expert Panel, ClinGen
Classification: Pathogenic for Mitochondrial disease. Last evaluated: 2021-11-03. Review status: reviewed by expert panel. Criteria: clingen mito disease acmg specifications v1-1. Collection method: curation. Allele origin: germline. Inheritance: Mitochondrial inheritance.
Comment: The m.8344A>G variant in MT-TK was reviewed by the Mitochondrial Disease Nuclear and Mitochondrial Variant Curation Expert Panel as part of the variant pilot for mitochondrial DNA variant specifications (McCormick et al., 2020; PMID: 32906214). This variant has been reported in >16 individuals with primary mitochondrial disease with variable features. While this variant is classically associated with the mitochondrial disease clinical syndrome MERRF (myoclonic epilepsy with ragged red fibers), affected individuals can have any number of features including but not limited to ataxia, myoclonus, seizures, Leigh syndrome, muscle weakness, exercise intolerance, sensorineural hearing loss, neuropathy, and lipomas, with onset ranging from childhood to adulthood (PS4; PMIDs: 2112427, 1910259, 23635963). This variant heteroplasmy level segregated with severity in >10 family members from >10 families (PP1_moderate; PMIDs: 2112427, 23635963). The computational predictor MitoTIP suggests this variant impacts the function of this tRNA, as does HmtVar with a score of 0.90 (PP3). Cybrid studies supported the functional impact of this variant including a deficiency seen in patient cell line that was transferred to cybrids with a high mutant load and study was reproducible (PS3_supporting; PMIDs: 1848674, 7739567). In summary, this variant meets criteria to be classified as pathogenic for primary mitochondrial disease inherited in a mitochondrial manner. This classification was approved by the NICHD U24 ClinGen Mitochondrial Disease Variant Curation Expert Panel as of August 20, 2020. Mitochondrial DNA-specific ACMG/AMP criteria applied: PS4, PS3_supporting, PP1_moderate, PP3.

3billion
Classification: Pathogenic for MERRF syndrome. Last evaluated: 2026-01-07. Review status: criteria provided, single submitter. Criteria: ACMG Guidelines, 2015. Collection method: clinical testing. Allele origin: germline. Affected: yes. Not counted in ClinVar's aggregate classification.
Comment: The variant is observed at an extremely low frequency in the gnomAD v4.1.0 dataset (heteroplasmic allele frequency: 0.011%). Predicted Consequence/Location: Mitochondrial variant Functional studies provide supporting evidence of the variant having a damaging effect on the gene or gene product (PMID: 1848674, 7739567). In silico tool predictions suggest no damaging effect of the variant on gene or gene product [MitoTIP: 11.25 (< 12.65)]. The variant has been observed in multiple (>3) similarly affected unrelated individuals (PMID: 1910259, 2112427, 23635963). The variant has been reported at least twice as pathogenic with clinical assertions and evidence for the classification (3billion dataset/ClinVar ID: VCV000009579). Therefore, this variant is classified as Pathogenic according to the recommendation of ACMG/AMP guideline.

Variantyx, Inc.
Classification: Pathogenic for Primary mitochondrial disorders. Last evaluated: 2025-12-16. Review status: criteria provided, single submitter. Criteria: Variantyx Assertion Criteria 2022. Collection method: clinical testing. Allele origin: germline. Inheritance: Mitochondrial inheritance. Affected: yes. Not counted in ClinVar's aggregate classification.
Comment: The m.8344A>G change is a variant in the MT-TK gene which encodes the mitochondrial transfer RNA for lysine. Pathogenic variants in this gene have been associated with primary mitochondrial disorders. This variant has been reported in several unrelated affected individuals (PMID:2112427, 1910259,23635963) (PS4) and it has been observed to segregate with disease in several individuals from multiple families; unaffected family members may have lower to undetectable levels of the variant (PMID: 2112427, 23635963) (PP1). Functional studies demonstrate a deleterious effect for this variant (PMID:1848674, 7739567) (PS3_Supporting) and computational algorithms support a deleterious effect on the gene or gene product (Aggregate Predicted Severity Score: 0.67) (PP3). This variant is absent from control populations (PM2). Other reputable laboratories have reported this variant as pathogenic or likely pathogenic, and this classification has been validated by an expert panel in ClinVar (PP5). Based on the current evidence, this variant is classified as pathogenic for primary mitochondrial disorders

Institute of Human Genetics, University of Leipzig Medical Center
Classification: Pathogenic for MERRF syndrome. Last evaluated: 2025-11-03. Review status: criteria provided, single submitter. Criteria: ACMG Guidelines, 2015. Collection method: clinical testing. Allele origin: unknown. Inheritance: Mitochondrial inheritance. Affected: yes. Not counted in ClinVar's aggregate classification.
Comment: Criteria applied: PS4,PP1_MOD,PS3_SUP,PP3

Centre for Clinical Genetics and Genomic Diagnostics, Zealand University Hospital
Classification: Pathogenic. Last evaluated: 2025-05-08. Review status: criteria provided, single submitter. Criteria: ACMG Guidelines, 2015. Collection method: clinical testing. Allele origin: germline. Affected: yes. Not counted in ClinVar's aggregate classification.

Johns Hopkins Genomics, Johns Hopkins University
Classification: Pathogenic for Thrombocythemia 2. Last evaluated: 2025-04-17. Review status: criteria provided, single submitter. Criteria: ACMG Guidelines, 2015. Collection method: clinical testing. Allele origin: germline. Not counted in ClinVar's aggregate classification.
Comment: This MT-TK variant (rs118192098) is rare (<0.1%) in a large population dataset (gnomAD: 6/56419 total alleles; AF(het)=0.0106%); AF(hom)=0.00%) and has been reported in ClinVar and Mitomap. It has been reviewed by an ClinGen expert panel and classified as pathogenic for primary mitochondrial disease. m.8344A>G has been reported in multiple unrelated individuals with primary mitochondrial disease showing variable phenotypic features and accounts for approximately 80% of individuals with MERRF. Independent experimental studies using cybrid cell lines with mtDNAs containing this variant demonstrated a functional impact at high mutation loads (heteroplasmy) compared to wild-type mtDNAs. We consider this variant to be pathogenic for MT-TK-related mitochondrial disorder.

Victorian Clinical Genetics Services, Murdoch Childrens Research Institute
Classification: Pathogenic for Mitochondrial disease. Last evaluated: 2025-04-15. Review status: criteria provided, single submitter. Criteria: ACMG Guidelines, 2015. Collection method: clinical testing. Allele origin: germline. Affected: yes. Not counted in ClinVar's aggregate classification.
Comment: This variant is classified as Pathogenic. Evidence in support of pathogenic classification: Variant is present in GenBank and gnomAD at <=0.0001 (including 0 homoplasmic, 6 heteroplasmic sequences in gnomAD). This variant has strong previous evidence of pathogenicity in unrelated individuals. The variant has been classified as pathogenic by the ClinGen expert panel and is classically associated with myoclonic epilepsy with ragged red fibers (MERRF) (ClinVar). High phenotypic variability has been reported for this variant, with heteroplasmy levels in affected individuals at ≥50% in the muscle, and ≥40% in the blood and urine (PMID: 23635963). Additional information: Variant is predicted to result in a nucleotide substitution in mitochondrial tRNA(Lys). This variant is apparently homoplasmic. Variant affects the annotated T-loop of the tRNA.

MGZ Medical Genetics Center
Classification: Pathogenic for MERRF syndrome. Last evaluated: 2022-05-31. Review status: criteria provided, single submitter. Criteria: ACMG Guidelines, 2015. Collection method: clinical testing. Allele origin: germline. Affected: yes. Observed: 3 variant alleles. Not counted in ClinVar's aggregate classification.
Comment: ACMG criteria applied: PS4, PS2_MOD, PP1_MOD, PS3_SUP, PM2_SUP, PP3

Mendelics
Classification: Pathogenic for MELAS syndrome. Last evaluated: 2022-05-04. Review status: criteria provided, single submitter. Criteria: Mendelics Assertion Criteria 2019. Collection method: clinical testing. Allele origin: germline. Not counted in ClinVar's aggregate classification.

NC_012920.1(MT-TK):m.8344A>G

Gene: MT-TK (mitochondrially encoded tRNA lysine; plus strand).
Variant type: single nucleotide variant.
Genome position: chrM-8344-A-G.
Other names: A8344G; MTTK*MERRF8334; 8344A-G.
Identifiers: ClinVar variation 9579 (VCV000009579.41), dbSNP rs118192098, ClinGen allele CA254836.
Genomic context (GRCh38, chrMT:8,344, plus strand): 5'-CCTCTAGAGCCCACTGTAAAGCTAACTTAGCATTAACCTTTTAAGTTAAAGATTAAGAGA[A>G]CCAACACCTCTTTACAGTGAAATGCCCCAACTAAATACTACCGTATGGCCCACCATAATT-3'